The following is an entry in ClinVar:

ClinVar aggregate classification (germline): Uncertain significance (1 of 4 stars; one submission).

Submission:

GeneDx
Classification: Uncertain significance. Last evaluated: 2023-02-09. Review status: criteria provided, single submitter. Criteria: GeneDx Variant Classification Process June 2021. Collection method: clinical testing. Allele origin: germline. Affected: yes.
Comment: Not observed at significant frequency in large population cohorts (gnomAD); In-frame deletion of one amino acid in a non-repeat region; In silico analysis supports a deleterious effect on protein structure/function; Has not been previously published as pathogenic or benign to our knowledge

NM_001190274.2(FBXO11):c.1065ACA[1] (p.Gln356del)

Gene: FBXO11 (F-box protein 11; minus strand). Cytogenetic location: 2p16.3.
Variant type: Microsatellite.
Coding change: c.1065ACA[1] on transcript NM_001190274.2 (MANE Select); one copy of the 3-base unit ACA starting at c.1065; the reference has two copies in a row; one copy, 3 bases deleted.
Protein change: p.Gln356del; deletes glutamine 356.
Molecular consequence: inframe deletion.
Genome position (GRCh38, 1-based): chr2:47,832,852-47,832,854, TGT deleted on the plus strand (ACA on the coding strand, the reverse complement: FBXO11 is on the minus strand); deleting any 3 consecutive bases within chr2:47,832,852-47,832,857 gives the same sequence; the position shown is the placement nearest the transcript's 3' end. VCF-style (leftmost placement, unchanged base first): chr2-47832851-GTGT-G. GRCh37 (hg19) VCF-style: chr2-48059990-GTGT-G.
Other names: c.813ACA[1], p.Gln272del (NM_001374325.1, NM_025133.4); short protein forms Q272del, Q356del.
Identifiers: ClinVar variation 2575619 (VCV002575619.1), dbSNP rs2531193756, ClinGen allele CA2573334473.